The following is an entry in ClinVar:

ClinVar aggregate classification (germline): Uncertain significance (1 of 4 stars; one submission).

Conditions:
Charcot-Marie-Tooth disease, type I (CMT1). Also called: Charcot-Marie-Tooth, Type 1; Charcot-Marie-Tooth disease type 1. Identifiers: Orphanet 65753, MedGen C0751036, MONDO:0019011.

Allele frequency attached by ClinVar (database versions not stated): gnomAD exomes below 0.00001; ExAC 0.00001; gnomAD 0.00001; TOPMed 0.00001; 1000 Genomes Project 30x 0.00016; 1000 Genomes Project 0.00020.
gnomAD v4.1: 4 of 1,614,006 alleles (0.00025%); highest among the groups gnomAD compares: African/African-American, 0.0053%; no homozygotes.

Submission:

Labcorp Genetics (formerly Invitae), Labcorp
Classification: Uncertain significance for Charcot-Marie-Tooth disease, type I. Last evaluated: 2022-09-03. Review status: criteria provided, single submitter. Criteria: Invitae Variant Classification Sherloc (09022015). Collection method: clinical testing. Allele origin: germline.
Comment: In summary, the available evidence is currently insufficient to determine the role of this variant in disease. Therefore, it has been classified as a Variant of Uncertain Significance. Algorithms developed to predict the effect of missense changes on protein structure and function output the following: SIFT: "Tolerated"; PolyPhen-2: "Benign"; Align-GVGD: "Class C0". The alanine amino acid residue is found in multiple mammalian species, which suggests that this missense change does not adversely affect protein function. This variant has not been reported in the literature in individuals affected with MPZ-related conditions. This variant is present in population databases (rs543191426, gnomAD 0.01%). This sequence change replaces threonine, which is neutral and polar, with alanine, which is neutral and non-polar, at codon 229 of the MPZ protein (p.Thr229Ala).

NM_000530.8(MPZ):c.685A>G (p.Thr229Ala)

Gene: MPZ (myelin protein zero; minus strand). Cytogenetic location: 1q23.3.
Variant type: single nucleotide variant.
Coding change: c.685A>G on transcript NM_000530.8 (MANE Select); coding-DNA position 685, A replaced by G.
Protein change: p.Thr229Ala; replaces threonine 229 with alanine.
Molecular consequence: missense variant.
Genome position (GRCh38, 1-based): chr1:161,305,938, T>C on the plus strand (A>G on the coding strand, the complement: MPZ is on the minus strand). VCF-style: chr1-161305938-T-C. GRCh37 (hg19) VCF-style: chr1-161275728-T-C.
Other names: c.685A>G, p.Thr229Ala (NM_001315491.2); short protein forms T229A.
Identifiers: ClinVar variation 2198125 (VCV002198125.4), dbSNP rs543191426, ClinGen allele CA1210067.
Genomic context (GRCh38, chr1:161,305,938, plus strand): 5'-ATTTCTTATCCTTGCGAGACTCCCCCAGCCCCTTGGCCTTCTTCTCACTGACAGCTTTGG[T>C]GCTTCTGCTGTGGTCCAGCATTGCATACAGCACTGGCGTCTGGGGGAGGGGCGCACACAT-3'
Protein context (NP_000521.2, residues 219-239): LYAMLDHSRS[Thr229Ala]KAVSEKKAKG